The following is an entry in ClinVar:

ClinVar aggregate classification (germline): Uncertain significance (1 of 4 stars; one submission).

Conditions:
Pyogenic arthritis-pyoderma gangrenosum-acne syndrome (PAPA). Also called: FAMILIAL RECURRENT ARTHRITIS; PAPA SYNDROME. Identifiers: Orphanet 69126, MedGen C1858361, MONDO:0011462, OMIM 604416.

gnomAD v4.1: 7 of 1,612,516 alleles (0.00043%); highest among the groups gnomAD compares: Non-Finnish European, 0.00051%; no homozygotes.

Submission:

Labcorp Genetics (formerly Invitae), Labcorp
Classification: Uncertain significance for Pyogenic arthritis-pyoderma gangrenosum-acne syndrome. Last evaluated: 2025-04-24. Review status: criteria provided, single submitter. Criteria: Invitae Variant Classification Sherloc (09022015). Collection method: clinical testing. Allele origin: germline.
Comment: This sequence change replaces valine, which is neutral and non-polar, with glutamic acid, which is acidic and polar, at codon 252 of the PSTPIP1 protein (p.Val252Glu). This variant is not present in population databases (gnomAD no frequency). This variant has not been reported in the literature in individuals affected with PSTPIP1-related conditions. Invitae Evidence Modeling of protein sequence and biophysical properties (such as structural, functional, and spatial information, amino acid conservation, physicochemical variation, residue mobility, and thermodynamic stability) indicates that this missense variant is expected to disrupt PSTPIP1 protein function with a positive predictive value of 80%. In summary, the available evidence is currently insufficient to determine the role of this variant in disease. Therefore, it has been classified as a Variant of Uncertain Significance.

NM_003978.5(PSTPIP1):c.755T>A (p.Val252Glu)

Gene: PSTPIP1 (proline-serine-threonine phosphatase interacting protein 1; plus strand). Cytogenetic location: 15q24.3.
Variant type: single nucleotide variant.
Coding change: c.755T>A on transcript NM_003978.5 (MANE Select); coding-DNA position 755, T replaced by A.
Protein change: p.Val252Glu; replaces valine 252 with glutamic acid.
Molecular consequence: missense variant.
Genome position (GRCh38, 1-based): chr15:77,032,311, T>A. VCF-style: chr15-77032311-T-A. GRCh37 (hg19) VCF-style: chr15-77324652-T-A.
Other names: c.755T>A, p.Val252Glu (NM_001321135.2, NM_001411086.1); c.728T>A, p.Val243Glu (NM_001321136.2); c.950T>A, p.Val317Glu (NM_001321137.1); short protein forms V252E, V243E, V317E.
Identifiers: ClinVar variation 4754553 (VCV004754553.1).